The following is an entry in ClinVar:

ClinVar aggregate classification (germline): Uncertain significance. Review status: criteria provided, multiple submitters, no conflicts (2 of 4 stars). 3 submissions from 3 submitters: Uncertain significance (3). Last evaluated 2024-05-17.

Conditions:
Focal segmental glomerulosclerosis 6 (FSGS6). Identifiers: Orphanet 656, MedGen C3279905, MONDO:0013589, OMIM 614131.

Allele frequency attached by ClinVar (database versions not stated): gnomAD exomes 0.00001 and 0.00004; ExAC 0.00003; ESP Exome Variant Server 0.00008; gnomAD 0.00008 and 0.00010; TOPMed 0.00009.
gnomAD v4.1: 30 of 1,614,076 alleles (0.0019%); highest among the groups gnomAD compares: African/African-American, 0.033%; no homozygotes.

Submissions (3):

Fulgent Genetics
Classification: Uncertain significance for Focal segmental glomerulosclerosis 6. Last evaluated: 2024-05-17. Review status: criteria provided, single submitter. Criteria: ACMG Guidelines, 2015. Collection method: clinical testing. Allele origin: germline.

Labcorp Genetics (formerly Invitae), Labcorp
Classification: Uncertain significance. Last evaluated: 2022-07-26. Review status: criteria provided, single submitter. Criteria: Invitae Variant Classification Sherloc (09022015). Collection method: clinical testing. Allele origin: germline.
Comment: ClinVar contains an entry for this variant (Variation ID: 1025070). This sequence change replaces histidine, which is basic and polar, with asparagine, which is neutral and polar, at codon 505 of the MYO1E protein (p.His505Asn). This variant is present in population databases (rs139820649, gnomAD 0.04%). This variant has not been reported in the literature in individuals affected with MYO1E-related conditions. Algorithms developed to predict the effect of missense changes on protein structure and function are either unavailable or do not agree on the potential impact of this missense change (SIFT: "Tolerated"; PolyPhen-2: "Probably Damaging"; Align-GVGD: "Class C25"). In summary, the available evidence is currently insufficient to determine the role of this variant in disease. Therefore, it has been classified as a Variant of Uncertain Significance.

Women's Health and Genetics/Laboratory Corporation of America, LabCorp
Classification: Uncertain significance. Last evaluated: 2021-12-30. Review status: criteria provided, single submitter. Criteria: LabCorp Variant Classification Summary - May 2015. Collection method: clinical testing. Allele origin: germline.
Comment: Variant summary: MYO1E c.1513C>A (p.His505Asn) results in a conservative amino acid change located in the Myosin head, motor domain (IPR001609) of the encoded protein sequence. Three of five in-silico tools predict a benign effect of the variant on protein function. The variant allele was found at a frequency of 3.6e-05 in 251494 control chromosomes. The available data on variant occurrences in the general population are insufficient to allow any conclusion about variant significance. To our knowledge, no occurrence of c.1513C>A in individuals affected with Focal Segmental Glomerulosclerosis 6/MYO1E-related disorder and no experimental evidence demonstrating its impact on protein function have been reported. One clinical diagnostic laboratory has submitted clinical-significance assessments for this variant to ClinVar after 2014 without evidence for independent evaluation. Based on the evidence outlined above, the variant was classified as uncertain significance.

NM_004998.4(MYO1E):c.1513C>A (p.His505Asn)

Gene: MYO1E (myosin IE; minus strand). Cytogenetic location: 15q22.2.
Variant type: single nucleotide variant.
Coding change: c.1513C>A on transcript NM_004998.4 (MANE Select); coding-DNA position 1513, C replaced by A.
Protein change: p.His505Asn; replaces histidine 505 with asparagine.
Molecular consequence: missense variant.
Genome position (GRCh38, 1-based): chr15:59,208,698, G>T on the plus strand (C>A on the coding strand, the complement: MYO1E is on the minus strand). VCF-style: chr15-59208698-G-T. GRCh37 (hg19) VCF-style: chr15-59500897-G-T.
Other names: short protein forms H505N.
Identifiers: ClinVar variation 1025070 (VCV001025070.9), dbSNP rs139820649, ClinGen allele CA7589931.